The following is an entry in ClinVar:

ClinVar aggregate classification (germline): Uncertain significance (1 of 4 stars; one submission).

Conditions:
Cardiovascular phenotype. Identifiers: MedGen CN230736.

Submission:

Ambry Genetics
Classification: Uncertain significance for Cardiovascular phenotype. Last evaluated: 2025-07-03. Review status: criteria provided, single submitter. Criteria: Ambry Variant Classification Scheme 2023. Collection method: clinical testing. Allele origin: germline.
Comment: The p.I30M variant (also known as c.90C>G), located in coding exon 1 of the BAG3 gene, results from a C to G substitution at nucleotide position 90. The isoleucine at codon 30 is replaced by methionine, an amino acid with highly similar properties. This amino acid position is conserved. In addition, this alteration is predicted to be tolerated by in silico analysis. Based on the available evidence, the clinical significance of this variant remains unclear.

NM_004281.4(BAG3):c.90C>G (p.Ile30Met)

Gene: BAG3 (BAG cochaperone 3; plus strand). Cytogenetic location: 10q26.11.
Variant type: single nucleotide variant.
Coding change: c.90C>G on transcript NM_004281.4 (MANE Select); coding-DNA position 90, C replaced by G.
Protein change: p.Ile30Met; replaces isoleucine 30 with methionine.
Molecular consequence: missense variant.
Genome position (GRCh38, 1-based): chr10:119,651,765, C>G. VCF-style: chr10-119651765-C-G. GRCh37 (hg19) VCF-style: chr10-121411277-C-G.
Other names: short protein forms I30M.
Identifiers: ClinVar variation 4192113 (VCV004192113.1).